The following is an entry in ClinVar:

ClinVar aggregate classification (germline): Uncertain significance. Review status: criteria provided, multiple submitters, no conflicts (2 of 4 stars). 2 submissions from 2 submitters: Uncertain significance (2). Last evaluated 2023-10-13.

Allele frequency attached by ClinVar (database versions not stated): gnomAD 0.00001; TOPMed 0.00001; gnomAD exomes 0.00002.
gnomAD v4.1: 21 of 1,610,000 alleles (0.0013%); highest among the groups gnomAD compares: Non-Finnish European, 0.0017%; no homozygotes.

Submissions (2):

Labcorp Genetics (formerly Invitae), Labcorp
Classification: Uncertain significance. Last evaluated: 2023-10-13. Review status: criteria provided, single submitter. Criteria: Invitae Variant Classification Sherloc (09022015). Collection method: clinical testing. Allele origin: germline.
Comment: This sequence change replaces glycine, which is neutral and non-polar, with arginine, which is basic and polar, at codon 60 of the KITLG protein (p.Gly60Arg). This variant is present in population databases (no rsID available, gnomAD 0.004%). This variant has not been reported in the literature in individuals affected with KITLG-related conditions. ClinVar contains an entry for this variant (Variation ID: 452867). Advanced modeling of protein sequence and biophysical properties (such as structural, functional, and spatial information, amino acid conservation, physicochemical variation, residue mobility, and thermodynamic stability) performed at Invitae indicates that this missense variant is not expected to disrupt KITLG protein function. In summary, the available evidence is currently insufficient to determine the role of this variant in disease. Therefore, it has been classified as a Variant of Uncertain Significance.

GeneDx
Classification: Uncertain significance. Last evaluated: 2021-03-23. Review status: criteria provided, single submitter. Criteria: GeneDx Variant Classification Process June 2021. Collection method: clinical testing. Allele origin: germline. Affected: yes.
Comment: In silico analysis supports that this missense variant does not alter protein structure/function; Has not been previously published as pathogenic or benign to our knowledge

NM_000899.5(KITLG):c.178G>A (p.Gly60Arg)

Gene: KITLG (KIT ligand; minus strand). Cytogenetic location: 12q21.32.
Variant type: single nucleotide variant.
Coding change: c.178G>A on transcript NM_000899.5 (MANE Select); coding-DNA position 178, G replaced by A.
Protein change: p.Gly60Arg; replaces glycine 60 with arginine.
Molecular consequence: missense variant.
Genome position (GRCh38, 1-based): chr12:88,532,455, C>T on the plus strand (G>A on the coding strand, the complement: KITLG is on the minus strand). VCF-style: chr12-88532455-C-T. GRCh37 (hg19) VCF-style: chr12-88926232-C-T.
Other names: c.178G>A, p.Gly60Arg (NM_003994.6); short protein forms G60R.
Identifiers: ClinVar variation 452867 (VCV000452867.6), dbSNP rs1461795798, ClinGen allele CA386122817.